The following continues an entry in ClinVar:

NM_000038.6(APC):c.6117G>T (p.Leu2039Phe)

Gene: APC. ClinVar aggregate classification (germline): Conflicting classifications of pathogenicity. Uncertain significance (11); Likely benign (3).

Submissions 13 to 17 of 17:

Women's Health and Genetics/Laboratory Corporation of America, LabCorp
Classification: Uncertain significance. Last evaluated: 2019-02-14. Review status: criteria provided, single submitter. Criteria: LabCorp Variant Classification Summary - May 2015. Collection method: clinical testing. Allele origin: germline.
Comment: Variant summary: APC c.6117G>T (p.Leu2039Phe) results in a non-conservative amino acid change located in a SAMP motif (IPR009224) of the encoded protein sequence. Five of five in-silico tools predict a damaging effect of the variant on protein function. The variant allele was found at a frequency of 2.5e-05 in 282216 control chromosomes, predominantly within the Non-Finnish European subpopulation at a frequency of 4.7e-05 in the gnomAD database. The observed variant frequency within Non-Finnish European control individuals in the gnomAD database is somewhat lower than the estimated maximal expected allele frequency for a pathogenic variant in APC causing Familial Adenomatous Polyposis phenotype (7.1e-05). Therefore the available data on variant occurrences in the general population are insufficient to allow any conclusion about variant significance. To our knowledge, no occurrence of c.6117G>T in individuals affected with Familial Adenomatous Polyposis and no experimental evidence demonstrating its impact on protein function have been reported. Eight clinical diagnostic laboratories have submitted clinical-significance assessments for this variant to ClinVar after 2014 without evidence for independent evaluation. All laboratories classified the variant as uncertain significance. Based on the evidence outlined above, the variant was classified as uncertain significance.

ARUP Laboratories, Molecular Genetics and Genomics, ARUP Laboratories
Classification: Uncertain significance. Last evaluated: 2017-02-10. Review status: criteria provided, single submitter. Criteria: ARUP Molecular Germline Variant Investigation Process. Collection method: clinical testing. Allele origin: germline.

PreventionGenetics, part of Exact Sciences
Classification: Uncertain significance for APC-related condition. Last evaluated: 2024-09-21. Review status: no assertion criteria provided. Collection method: clinical testing. Allele origin: germline. Not counted in ClinVar's aggregate classification.
Comment: The APC c.6117G>T variant is predicted to result in the amino acid substitution p.Leu2039Phe. This variant was reported in an individual with breast cancer and in an individual with polyps (Supplementary Table 4, Bhai et al 2021. PubMed ID: 34326862). To our knowledge, this variant has not been reported in the literature. This variant is reported in 0.0047% of alleles in individuals of European (Non-Finnish) descent in gnomAD. This variant has conflicting interpretations in ClinVar ranging from likely benign to uncertain significance. At this time, the clinical significance of this variant is uncertain due to the absence of conclusive functional and genetic evidence.

Counsyl
Classification: Uncertain significance for Familial adenomatous polyposis 1. Last evaluated: 2016-08-10. Review status: no assertion criteria provided. Collection method: clinical testing. Allele origin: unknown. Not counted in ClinVar's aggregate classification.

Department of Pathology and Laboratory Medicine, Sinai Health System
Classification: Uncertain significance for Carcinoma of colon. Review status: no assertion criteria provided. Collection method: clinical testing. Allele origin: unknown. Affected: yes. Observed: 1 variant allele. Study: The Canadian Open Genetics Repository (COGR). Not counted in ClinVar's aggregate classification.
Comment: The p.Leu2039Phe variant was not identified in the literature. The variant was identified in dbSNP (ID: rs372418435) â€šÃ„ÃºWith uncertain significance alleleâ€šÃ„Ã¹, NHLBI Exome Sequencing Project (Exome Variant Server) with a frequency of 0.0001, and the Exome Aggregation Consortium (ExAC) database in 2 of 66680 European (Non-Finnish) chromosomes (frequency: 0.00003). This low number of observations and frequency is not substantive enough to determine the prevalence of the variant in the general population and its relationship to disease. The variant was also identified in the Clinvitae database (classified as uncertain significance) and the ClinVar database (classified as uncertain significance). The p.Leu2039 residue is conserved across mammals and other organisms, and four out of five computational analyses (PolyPhen-2, SIFT, AlignGVGD, BLOSUM, MutationTaster) suggest that the Phe variant may impact the protein. However, this information is not predictive enough to assume pathogenicity. The variant occurs outside of the splicing consensus sequence and in silico or computational prediction software programs (SpliceSiteFinder, MaxEntScan, NNSPLICE, GeneSplicer, HumanSpliceFinder) do not predict a difference in splicing. In summary, based on the above information, the clinical significance of this variant cannot be determined with certainty at this time. This variant is classified as a variant of unknown significance.

Literature cited by the submitters: PubMed 31175917 (cited by Mayo Clinic Laboratories, Mayo Clinic and Quest Diagnostics Nichols Institute San Juan Capistrano); PubMed 34326862 (cited by Mayo Clinic Laboratories, Mayo Clinic); PubMed 25085752 (cited by Myriad Genetics, Inc.).